The following is an entry in ClinVar:

NM_031885.5(BBS2):c.175del (p.Gln59fs)

Gene: BBS2 (Bardet-Biedl syndrome 2; minus strand). Cytogenetic location: 16q13.
Variant type: Deletion.
Coding change: c.175del on transcript NM_031885.5 (MANE Select); coding-DNA position 175, one base deleted (C; older notation c.175delC).
Protein change: p.Gln59fs; shifts the reading frame from glutamine 59.
Molecular consequence: frameshift variant. On other transcripts: non-coding transcript variant (5).
Genome position (GRCh38, 1-based): chr16:56,514,623, G deleted on the plus strand (C on the coding strand, the reverse complement: BBS2 is on the minus strand); the first of 2 consecutive G bases (chr16:56,514,623-56,514,624); deleting either gives the same sequence. VCF-style (leftmost placement, unchanged base first): chr16-56514622-TG-T. GRCh37 (hg19) VCF-style: chr16-56548534-TG-T.
Other names: c.175del, p.Gln59fs (NM_001377456.1); short protein forms Q59fs.
Identifiers: ClinVar variation 1072026 (VCV001072026.7), dbSNP rs2144193544, ClinGen allele CA2499223582.

ClinVar aggregate classification (germline): Pathogenic (1 of 4 stars; one submission).

Conditions:
Bardet-Biedl syndrome (BBS). Identifiers: Orphanet 110, MedGen C0752166, MONDO:0015229.

Submission:

Labcorp Genetics (formerly Invitae), Labcorp
Classification: Pathogenic for Bardet-Biedl syndrome. Last evaluated: 2020-01-24. Review status: criteria provided, single submitter. Criteria: Invitae Variant Classification Sherloc (09022015). Collection method: clinical testing. Allele origin: germline.
Comment: For these reasons, this variant has been classified as Pathogenic. Loss-of-function variants in BBS2 are known to be pathogenic (PMID: 11285252). This variant has not been reported in the literature in individuals with BBS2-related conditions. This variant is not present in population databases (ExAC no frequency). This sequence change creates a premature translational stop signal (p.Gln59Argfs*20) in the BBS2 gene. It is expected to result in an absent or disrupted protein product.

Literature cited by the submitters: PubMed 11285252.